The following is an entry in ClinVar:

ClinVar aggregate classification (germline): Uncertain significance (1 of 4 stars; one submission).

Conditions:
Glycogen storage disease due to muscle beta-enolase deficiency (GSD13). Also called: Glycogen Storage Disease Type XIII; ENOLASE 3 DEFICIENCY; ENOLASE-BETA DEFICIENCY; GSD XIII. Identifiers: Orphanet 99849, MedGen C2752027, MONDO:0013046, OMIM 612932.

Allele frequency attached by ClinVar (database versions not stated): gnomAD exomes 0.00001 and 0.00002; ExAC 0.00003; gnomAD 0.00003; TOPMed 0.00003; ESP Exome Variant Server 0.00015.
gnomAD v4.1: 25 of 1,613,762 alleles (0.0015%); highest among the groups gnomAD compares: East Asian, 0.0067%; no homozygotes.

Submission:

Labcorp Genetics (formerly Invitae), Labcorp
Classification: Uncertain significance for Glycogen storage disease due to muscle beta-enolase deficiency. Last evaluated: 2024-10-30. Review status: criteria provided, single submitter. Criteria: Invitae Variant Classification Sherloc (09022015). Collection method: clinical testing. Allele origin: germline.
Comment: This sequence change affects codon 309 of the ENO3 mRNA. It is a 'silent' change, meaning that it does not change the encoded amino acid sequence of the ENO3 protein. This variant is present in population databases (rs142501820, gnomAD 0.006%). This variant has not been reported in the literature in individuals affected with ENO3-related conditions. ClinVar contains an entry for this variant (Variation ID: 1523160). Algorithms developed to predict the effect of sequence changes on RNA splicing suggest that this variant may create or strengthen a splice site. In summary, the available evidence is currently insufficient to determine the role of this variant in disease. Therefore, it has been classified as a Variant of Uncertain Significance.

NM_053013.4(ENO3):c.927G>A (p.Ser309=)

Gene: ENO3 (enolase 3; plus strand). Cytogenetic location: 17p13.2.
Variant type: single nucleotide variant.
Coding change: c.927G>A on transcript NM_053013.4 (MANE Select); coding-DNA position 927, G replaced by A.
Protein change: p.Ser309=; no amino-acid change (serine 309 retained).
Molecular consequence: synonymous variant.
Genome position (GRCh38, 1-based): chr17:4,956,003, G>A. VCF-style: chr17-4956003-G-A. GRCh37 (hg19) VCF-style: chr17-4859298-G-A.
Other names: c.798G>A, p.Ser266= (NM_001193503.2); c.927G>A, p.Ser309= (NM_001374523.1, NM_001976.5); c.954G>A, p.Ser318= (NM_001374524.1).
Identifiers: ClinVar variation 1523160 (VCV001523160.5), dbSNP rs142501820, ClinGen allele CA8316498.